The following is an entry in ClinVar:

NM_000051.4(ATM):c.8307G>C (p.Trp2769Cys)

Genes: ATM (ATM serine/threonine kinase; plus strand), C11orf65 (chromosome 11 open reading frame 65; minus strand). Cytogenetic location: 11q22.3.
Variant type: single nucleotide variant.
Coding change: c.8307G>C on transcript NM_000051.4 (MANE Select); coding-DNA position 8307, G replaced by C.
Protein change: p.Trp2769Cys; replaces tryptophan 2769 with cysteine.
Molecular consequence: missense variant. On other transcripts: intron variant (2).
Genome position (GRCh38, 1-based): chr11:108,343,260, G>C. VCF-style: chr11-108343260-G-C. GRCh37 (hg19) VCF-style: chr11-108213987-G-C.
Other names: c.8307G>C, p.Trp2769Cys (NM_001351834.2); c.641-34189C>G (NM_001330368.2); c.695-7968C>G (NM_001351110.2); short protein forms W2769C.
Identifiers: ClinVar variation 2833298 (VCV002833298.3), dbSNP rs778269655, ClinGen allele CA382516354.

ClinVar aggregate classification (germline): Uncertain significance (1 of 4 stars; one submission).

Conditions:
Ataxia-telangiectasia syndrome (AT). Also called: LOUIS-BAR SYNDROME; Cerebello-oculocutaneous telangiectasia; Immunodeficiency with ataxia telangiectasia; Ataxia telangiectasia (A-T); Ataxia-telangiectasia, complementation group D; AT, COMPLEMENTATION GROUP C. Identifiers: Orphanet 100, MedGen C0004135, MONDO:0008840, OMIM 208900.

Submission:

Labcorp Genetics (formerly Invitae), Labcorp
Classification: Uncertain significance for Ataxia-telangiectasia syndrome. Last evaluated: 2023-01-31. Review status: criteria provided, single submitter. Criteria: Invitae Variant Classification Sherloc (09022015). Collection method: clinical testing. Allele origin: germline.
Comment: In summary, the available evidence is currently insufficient to determine the role of this variant in disease. Therefore, it has been classified as a Variant of Uncertain Significance. Algorithms developed to predict the effect of missense changes on protein structure and function (SIFT, PolyPhen-2, Align-GVGD) all suggest that this variant is likely to be disruptive. This variant has not been reported in the literature in individuals affected with ATM-related conditions. This variant is not present in population databases (gnomAD no frequency). This sequence change replaces tryptophan, which is neutral and slightly polar, with cysteine, which is neutral and slightly polar, at codon 2769 of the ATM protein (p.Trp2769Cys).